The following is an entry in ClinVar:

NM_016343.4(CENPF):c.7356G>A (p.Glu2452=)

Gene: CENPF (centromere protein F; plus strand). Cytogenetic location: 1q41.
Variant type: single nucleotide variant.
Coding change: c.7356G>A on transcript NM_016343.4 (MANE Select); coding-DNA position 7356, G replaced by A.
Protein change: p.Glu2452=; no amino-acid change (glutamic acid 2452 retained).
Molecular consequence: synonymous variant.
Genome position (GRCh38, 1-based): chr1:214,646,926, G>A. VCF-style: chr1-214646926-G-A. GRCh37 (hg19) VCF-style: chr1-214820269-G-A.
Identifiers: ClinVar variation 3348371 (VCV003348371.3).

ClinVar aggregate classification (germline): Likely benign. Review status: criteria provided, single submitter (1 of 4 stars). 2 submissions from 2 submitters: Likely benign (1). 1 of the submissions does not count toward it. Last evaluated 2026-08-01.

Conditions:
CENPF-related disorder. Also called: CENPF-related condition.

Submissions (2):

CeGaT Center for Human Genetics Tuebingen
Classification: Likely benign. Last evaluated: 2026-08-01. Review status: criteria provided, single submitter. Criteria: CeGaT Center For Human Genetics Tuebingen Variant Classification Criteria Version 2. Collection method: clinical testing. Allele origin: germline. Affected: yes. Observed: 2 variant alleles.
Comment: CENPF: PM2:Supporting, BP4, BP7

PreventionGenetics, part of Exact Sciences
Classification: Likely benign for CENPF-related condition. Last evaluated: 2024-04-05. Review status: no assertion criteria provided. Collection method: clinical testing. Allele origin: germline. Not counted in ClinVar's aggregate classification.
Comment: This variant is classified as likely benign based on ACMG/AMP sequence variant interpretation guidelines (Richards et al. 2015 PMID: 25741868, with internal and published modifications).